The following is an entry in ClinVar:

NM_002768.5(CHMP1A):c.106-11G>C

Gene: CHMP1A (charged multivesicular body protein 1A; minus strand). Cytogenetic location: 16q24.3.
Variant type: single nucleotide variant.
Coding change: c.106-11G>C on transcript NM_002768.5 (MANE Select); 11 bases into the intron before coding-DNA position 106, G replaced by C.
Molecular consequence: intron variant.
Genome position (GRCh38, 1-based): chr16:89,649,508, C>G on the plus strand (G>C on the coding strand, the complement: CHMP1A is on the minus strand). VCF-style: chr16-89649508-C-G. GRCh37 (hg19) VCF-style: chr16-89715916-C-G.
Other names: c.86-11G>C (NM_001083314.4).
Identifiers: ClinVar variation 380947 (VCV000380947.11), dbSNP rs3815949, ClinGen allele CA8247147.

ClinVar aggregate classification (germline): Benign. Review status: criteria provided, multiple submitters, no conflicts (2 of 4 stars). 3 submissions from 3 submitters: Benign (3). Last evaluated 2026-02-04.

Allele frequency attached by ClinVar (database versions not stated): ESP Exome Variant Server 0.00321; 1000 Genomes Project 30x 0.09947; 1000 Genomes Project 0.11102.
gnomAD v4.1: 31,613 of 1,613,298 alleles (2%); highest among the groups gnomAD compares: East Asian, 49%; 5,655 homozygotes.

Submissions (3):

Labcorp Genetics (formerly Invitae), Labcorp
Classification: Benign. Last evaluated: 2026-02-04. Review status: criteria provided, single submitter. Criteria: Invitae Variant Classification Sherloc (09022015). Collection method: clinical testing. Allele origin: germline.

GeneDx
Classification: Benign. Last evaluated: 2016-05-11. Review status: criteria provided, single submitter. Criteria: GeneDx Variant Classification (06012015). Collection method: clinical testing. Allele origin: germline. Affected: yes.
Comment: This variant is considered likely benign or benign based on one or more of the following criteria: it is a conservative change, it occurs at a poorly conserved position in the protein, it is predicted to be benign by multiple in silico algorithms, and/or has population frequency not consistent with disease.

Breakthrough Genomics
Classification: Benign. Review status: criteria provided, single submitter. Criteria: ACMG Guidelines, 2015. Collection method: not provided. Allele origin: germline. Inheritance: Autosomal recessive inheritance. Affected: yes.